The following is an entry in ClinVar:

ClinVar aggregate classification (germline): Uncertain significance (1 of 4 stars; one submission).

Conditions:
Hereditary cancer-predisposing syndrome. Also called: Neoplastic Syndromes, Hereditary; Tumor predisposition; Hereditary Cancer Syndrome; Hereditary neoplastic syndrome. Identifiers: Orphanet 140162, MedGen C0027672, MeSH D009386, MONDO:0015356.

Submission:

Color Diagnostics, LLC DBA Color Health
Classification: Uncertain significance for Hereditary cancer-predisposing syndrome. Last evaluated: 2022-08-26. Review status: criteria provided, single submitter. Criteria: ACMG Guidelines, 2015. Collection method: clinical testing. Allele origin: germline.
Comment: This missense variant replaces glutamic acid with aspartic acid at codon 209 of the MSH6 protein. Computational prediction suggests that this variant may not impact protein structure and function (internally defined REVEL score threshold <= 0.5, PMID: 27666373). In addition, this variant alters a highly conserved, last c.G nucleotide of exon 3 and is predicted to impair splicing. To our knowledge, functional studies have not been reported for this variant. This variant has not been reported in individuals affected with hereditary cancer in the literature. This variant has not been identified in the general population by the Genome Aggregation Database (gnomAD). The available evidence is insufficient to determine the role of this variant in disease conclusively. Therefore, this variant is classified as a Variant of Uncertain Significance.

NM_000179.3(MSH6):c.627G>C (p.Glu209Asp)

Gene: MSH6 (mutS homolog 6; plus strand). Cytogenetic location: 2p16.3.
Variant type: single nucleotide variant.
Coding change: c.627G>C on transcript NM_000179.3 (MANE Select); coding-DNA position 627, G replaced by C.
Protein change: p.Glu209Asp; replaces glutamic acid 209 with aspartic acid.
Molecular consequence: missense variant. On other transcripts: 5 prime UTR variant (1), intron variant (2).
Genome position (GRCh38, 1-based): chr2:47,796,063, G>C. VCF-style: chr2-47796063-G-C. GRCh37 (hg19) VCF-style: chr2-48023202-G-C.
Other names: c.-276G>C (NM_001281494.2); c.-279-2548G>C (NM_001281493.2); c.238-2548G>C (NM_001281492.2); short protein forms E209D.
Identifiers: ClinVar variation 925758 (VCV000925758.5), dbSNP rs769312569, ClinGen allele CA346738918.